The following is an entry in ClinVar:

ClinVar aggregate classification (germline): Likely benign. Review status: criteria provided, multiple submitters, no conflicts (2 of 4 stars). 4 submissions from 4 submitters: Likely benign (4). Last evaluated 2026-03-29.

Conditions:
Familial thoracic aortic aneurysm and aortic dissection (TAAD). Also called: Thoracic aortic aneurysms and dissections. Identifiers: Orphanet 91387, MedGen C4707243, MONDO:0019625.
Marfan syndrome (MFS). Also called: Marfan syndrome, classic; Marfan syndrome type 1; Marfan's syndrome; FBN1-Related Marfan Syndrome; MARFAN SYNDROME, TYPE I. Identifiers: Orphanet 284963, Orphanet 558, MedGen C0024796, MONDO:0007947, OMIM 154700.

Allele frequency attached by ClinVar (database versions not stated): gnomAD exomes 0.00001.
gnomAD v4.1: 8 of 1,614,128 alleles (0.0005%); highest among the groups gnomAD compares: Non-Finnish European, 0.00068%; no homozygotes.

Submissions (4):

Ambry Genetics
Classification: Likely benign for Familial thoracic aortic aneurysm and aortic dissection. Last evaluated: 2026-03-29. Review status: criteria provided, single submitter. Criteria: Ambry Variant Classification Scheme 2023. Collection method: clinical testing. Allele origin: germline.

All of Us Research Program, National Institutes of Health
Classification: Likely benign for Marfan syndrome. Last evaluated: 2024-06-17. Review status: criteria provided, single submitter. Criteria: ACMG Guidelines, 2015. Collection method: clinical testing. Allele origin: germline. Inheritance: Autosomal dominant inheritance. Observed: 2 variant alleles, 2 heterozygotes.
Comment: This study involves interpretation of variants in research participants for the purpose of population health screening. Participant phenotype was not available at the time of variant classification. Additional details can be found in publication PMID: 35346344, PMCID: PMC8962531

Labcorp Genetics (formerly Invitae), Labcorp
Classification: Likely benign for Marfan syndrome; Familial thoracic aortic aneurysm and aortic dissection. Last evaluated: 2022-08-28. Review status: criteria provided, single submitter. Criteria: Invitae Variant Classification Sherloc (09022015). Collection method: clinical testing. Allele origin: germline.

Color Diagnostics, LLC DBA Color Health
Classification: Likely benign for Familial thoracic aortic aneurysm and aortic dissection. Last evaluated: 2019-02-08. Review status: criteria provided, single submitter. Criteria: ACMG Guidelines, 2015. Collection method: clinical testing. Allele origin: germline.

NM_000138.5(FBN1):c.7788C>T (p.Tyr2596=)

Gene: FBN1 (fibrillin 1; minus strand). Cytogenetic location: 15q21.1.
Variant type: single nucleotide variant.
Coding change: c.7788C>T on transcript NM_000138.5 (MANE Select); coding-DNA position 7788, C replaced by T.
Protein change: p.Tyr2596=; no amino-acid change (tyrosine 2596 retained).
Molecular consequence: synonymous variant.
Genome position (GRCh38, 1-based): chr15:48,420,718, G>A on the plus strand (C>T on the coding strand, the complement: FBN1 is on the minus strand). VCF-style: chr15-48420718-G-A. GRCh37 (hg19) VCF-style: chr15-48712915-G-A.
Identifiers: ClinVar variation 924607 (VCV000924607.9), dbSNP rs1555394142, ClinGen allele CA490015440.